The following is an entry in ClinVar:

NM_024757.5(EHMT1):c.3659G>T (p.Arg1220Leu)

Gene: EHMT1 (euchromatic histone lysine methyltransferase 1; plus strand). Cytogenetic location: 9q34.3.
Variant type: single nucleotide variant.
Coding change: c.3659G>T on transcript NM_024757.5 (MANE Select); coding-DNA position 3659, G replaced by T.
Protein change: p.Arg1220Leu; replaces arginine 1220 with leucine.
Molecular consequence: missense variant.
Genome position (GRCh38, 1-based): chr9:137,834,467, G>T. VCF-style: chr9-137834467-G-T. GRCh37 (hg19) VCF-style: chr9-140728919-G-T.
Other names: c.3638G>T, p.Arg1213Leu (NM_001354263.2); short protein forms R1213L, R1220L.
Identifiers: ClinVar variation 4743188 (VCV004743188.1).

ClinVar aggregate classification (germline): Uncertain significance (1 of 4 stars; one submission).

Conditions:
Kleefstra syndrome 1 (KLEFS1). Identifiers: Orphanet 261494, MedGen C0795833, MONDO:0027407, OMIM 610253.

Submission:

Labcorp Genetics (formerly Invitae), Labcorp
Classification: Uncertain significance for Kleefstra syndrome 1. Last evaluated: 2025-02-23. Review status: criteria provided, single submitter. Criteria: Invitae Variant Classification Sherloc (09022015). Collection method: clinical testing. Allele origin: germline.
Comment: This sequence change replaces arginine, which is basic and polar, with leucine, which is neutral and non-polar, at codon 1220 of the EHMT1 protein (p.Arg1220Leu). This variant is not present in population databases (gnomAD no frequency). This variant has not been reported in the literature in individuals affected with EHMT1-related conditions. Invitae Evidence Modeling of protein sequence and biophysical properties (such as structural, functional, and spatial information, amino acid conservation, physicochemical variation, residue mobility, and thermodynamic stability) indicates that this missense variant is expected to disrupt EHMT1 protein function with a positive predictive value of 80%. In summary, the available evidence is currently insufficient to determine the role of this variant in disease. Therefore, it has been classified as a Variant of Uncertain Significance.